The following is an entry in ClinVar:

NM_024426.6(WT1):c.390A>G (p.Pro130=)

Genes: WT1 (WT1 transcription factor; minus strand), LOC107982234 (WT1/WT1-AS bi-directional promoter region; plus strand). Cytogenetic location: 11p13.
Variant type: single nucleotide variant.
Coding change: c.390A>G on transcript NM_024426.6 (MANE Select); coding-DNA position 390, A replaced by G.
Protein change: p.Pro130=; no amino-acid change (proline 130 retained).
Molecular consequence: synonymous variant. On other transcripts: non-coding transcript variant (1).
Genome position (GRCh38, 1-based): chr11:32,434,971, T>C on the plus strand (A>G on the coding strand, the complement: WT1 is on the minus strand). VCF-style: chr11-32434971-T-C. GRCh37 (hg19) VCF-style: chr11-32456517-T-C.
Other names: c.390A>G, p.Pro130= (NM_000378.6, NM_024424.5).
Identifiers: ClinVar variation 304424 (VCV000304424.22), dbSNP rs886048228, ClinGen allele CA10630774.

ClinVar aggregate classification (germline): Conflicting classifications of pathogenicity. Review status: criteria provided, conflicting classifications (1 of 4 stars). 6 submissions from 4 submitters: Uncertain significance (3); Likely benign (3). Last evaluated 2025-08-01.

Conditions:
Frasier syndrome. Identifiers: Orphanet 347, MedGen C0950122, MeSH D052159, MONDO:0007635, OMIM 136680.
Drash syndrome (DDS). Also called: NEPHROPATHY, WILMS TUMOR, AND GENITAL ANOMALIES; WILMS TUMOR AND PSEUDO- OR TRUE HERMAPHRODITISM. Identifiers: Orphanet 220, MedGen C0950121, MONDO:0008682, OMIM 194080.
Wilms tumor 1 (WT1). Also called: Wilms tumor, somatic. Identifiers: Orphanet 654, MedGen CN033288, MONDO:0008679, OMIM 194070.
11p partial monosomy syndrome (WAGR). Also called: CHROMOSOME 11p13 DELETION SYNDROME; WAGR syndrome; WAGR Spectrum Disorder; WAGR Complex. Identifiers: Orphanet 893, MedGen C0206115, MONDO:0008681, OMIM 194072.
Inborn genetic diseases. Identifiers: MedGen C0950123, MeSH D030342.
Nephrotic syndrome, type 4 (NPHS4). Also called: Familial mesangial sclerosis; Nephrotic syndrome, early onset with diffuse mesangial sclerosis. Identifiers: Orphanet 656, MedGen C3151568, MONDO:0009733, OMIM 256370.
Meacham syndrome. Also called: Meacham Winn Culler syndrome. Identifiers: Orphanet 3097, MedGen C1837026, MONDO:0012164, OMIM 608978.

Submissions (6):

CeGaT Center for Human Genetics Tuebingen
Classification: Likely benign. Last evaluated: 2025-08-01. Review status: criteria provided, single submitter. Criteria: CeGaT Center For Human Genetics Tuebingen Variant Classification Criteria Version 2. Collection method: clinical testing. Allele origin: germline. Affected: yes. Observed: 1 variant allele.
Comment: WT1: PM2:Supporting, BP4, BP7

Ambry Genetics
Classification: Likely benign for Inborn genetic diseases. Last evaluated: 2025-05-29. Review status: criteria provided, single submitter. Criteria: Ambry Variant Classification Scheme 2023. Collection method: clinical testing. Allele origin: germline.

Labcorp Genetics (formerly Invitae), Labcorp
Classification: Likely benign for Wilms tumor 1; Drash syndrome; 11p partial monosomy syndrome; Frasier syndrome. Last evaluated: 2023-07-28. Review status: criteria provided, single submitter. Criteria: Invitae Variant Classification Sherloc (09022015). Collection method: clinical testing. Allele origin: germline.

Illumina Laboratory Services, Illumina
Classification: Uncertain significance for Meacham syndrome. Last evaluated: 2018-01-13. Review status: criteria provided, single submitter. Criteria: ICSL Variant Classification Criteria 13 December 2019. Collection method: clinical testing. Allele origin: germline.

Illumina Laboratory Services, Illumina
Classification: Uncertain significance for Nephrotic syndrome, type 4. Last evaluated: 2018-01-13. Review status: criteria provided, single submitter. Criteria: ICSL Variant Classification Criteria 13 December 2019. Collection method: clinical testing. Allele origin: germline.

Illumina Laboratory Services, Illumina
Classification: Uncertain significance for Wilms tumor 1. Last evaluated: 2018-01-13. Review status: criteria provided, single submitter. Criteria: ICSL Variant Classification Criteria 13 December 2019. Collection method: clinical testing. Allele origin: germline.